The following is an entry in ClinVar:

ClinVar aggregate classification (germline): Likely benign (1 of 4 stars; one submission).

Allele frequency attached by ClinVar (database versions not stated): gnomAD exomes 0.00002; gnomAD 0.00003; TOPMed 0.00004; ExAC 0.00009; 1000 Genomes Project 0.00020; 1000 Genomes Project 30x 0.00031.
gnomAD v4.1: 35 of 1,612,856 alleles (0.0022%); highest among the groups gnomAD compares: Admixed American, 0.047%; no homozygotes.

Submission:

CeGaT Center for Human Genetics Tuebingen
Classification: Likely benign. Last evaluated: 2024-03-01. Review status: criteria provided, single submitter. Criteria: CeGaT Center For Human Genetics Tuebingen Variant Classification Criteria Version 2. Collection method: clinical testing. Allele origin: germline. Affected: yes. Observed: 1 variant allele.
Comment: MAPK8IP3: BP4, BP7

NM_001318852.2(MAPK8IP3):c.2952C>T (p.His984=)

Gene: MAPK8IP3 (mitogen-activated protein kinase 8 interacting protein 3; plus strand). Cytogenetic location: 16p13.3.
Variant type: single nucleotide variant.
Coding change: c.2952C>T on transcript NM_001318852.2 (MANE Select); coding-DNA position 2952, C replaced by T.
Protein change: p.His984=; no amino-acid change (histidine 984 retained).
Molecular consequence: synonymous variant.
Genome position (GRCh38, 1-based): chr16:1,766,735, C>T. VCF-style: chr16-1766735-C-T. GRCh37 (hg19) VCF-style: chr16-1816736-C-T.
Other names: c.2931C>T, p.His977= (NM_001040439.2); c.2949C>T, p.His983= (NM_015133.5, NM_033392.3).
Identifiers: ClinVar variation 3067300 (VCV003067300.21), dbSNP rs560987601, ClinGen allele CA7817489.